The following is an entry in ClinVar:

ClinVar aggregate classification (germline): Uncertain significance (1 of 4 stars; one submission).

Submission:

Ambry Genetics
Classification: Uncertain significance. Last evaluated: 2026-07-28. Review status: criteria provided, single submitter. Criteria: Ambry Variant Classification Scheme 2023. Collection method: clinical testing. Allele origin: germline.
Comment: The p.G3A variant (also known as c.8G>C), located in coding exon 1 of the RNF43 gene, results from a G to C substitution at nucleotide position 8. The glycine at codon 3 is replaced by alanine, an amino acid with similar properties. This amino acid position is conserved. In addition, this alteration is predicted to be tolerated by in silico analysis. Based on the available evidence, the clinical significance of this variant remains unclear.

NM_017763.6(RNF43):c.8G>C (p.Gly3Ala)

Gene: RNF43 (ring finger protein 43; minus strand). Cytogenetic location: 17q22.
Variant type: single nucleotide variant.
Coding change: c.8G>C on transcript NM_017763.6 (MANE Select); coding-DNA position 8, G replaced by C.
Protein change: p.Gly3Ala; replaces glycine 3 with alanine.
Molecular consequence: missense variant. On other transcripts: intron variant (1).
Genome position (GRCh38, 1-based): chr17:58,415,570, C>G on the plus strand (G>C on the coding strand, the complement: RNF43 is on the minus strand). VCF-style: chr17-58415570-C-G. GRCh37 (hg19) VCF-style: chr17-56492931-C-G.
Other names: c.8G>C, p.Gly3Ala (NM_001305544.3, NM_001438820.1, NM_001438821.1 and 1 more transcripts); c.-130+1447G>C (NM_001437987.1); short protein forms G3A.
Identifiers: ClinVar variation 5028342 (VCV005028342.1).